The following is an entry in ClinVar:

NM_032242.4(PLXNA1):c.2635G>A (p.Gly879Ser)

Gene: PLXNA1 (plexin A1; plus strand). Cytogenetic location: 3q21.3.
Variant type: single nucleotide variant.
Coding change: c.2635G>A on transcript NM_032242.4 (MANE Select); coding-DNA position 2635, G replaced by A.
Protein change: p.Gly879Ser; replaces glycine 879 with serine.
Molecular consequence: missense variant.
Genome position (GRCh38, 1-based): chr3:127,014,508, G>A. VCF-style: chr3-127014508-G-A. GRCh37 (hg19) VCF-style: chr3-126733351-G-A.
Other names: short protein forms G879S.
Identifiers: ClinVar variation 4978502 (VCV004978502.1).

ClinVar aggregate classification (germline): Uncertain significance (1 of 4 stars; one submission).

Conditions:
PLXNA1-related disorder. Also called: PLXNA1-related condition.

gnomAD v4.1: 12 of 1,606,660 alleles (0.00075%); highest among the groups gnomAD compares: South Asian, 0.0011%; no homozygotes.

Submission:

PreventionGenetics, part of Exact Sciences
Classification: Uncertain significance for PLXNA1-related condition. Last evaluated: 2026-04-03. Review status: criteria provided, single submitter. Criteria: ACMG Guidelines, 2015. Collection method: clinical testing. Allele origin: germline.
Comment: The PLXNA1 c.2635G>A variant is predicted to result in the amino acid substitution p.Gly879Ser. To our knowledge, this variant has not been reported in the literature. This variant is reported in 0.0033% of alleles in individuals of South Asian descent in gnomAD. At this time, the clinical significance of this variant is uncertain due to the absence of conclusive functional and genetic evidence.